The following is an entry in ClinVar:

NM_001009944.3(PKD1):c.15_31del (p.Pro6fs)

Gene: PKD1 (polycystin 1, transient receptor potential channel interacting; minus strand). Cytogenetic location: 16p13.3.
Variant type: Deletion.
Coding change: c.15_31del on transcript NM_001009944.3 (MANE Select); coding-DNA positions 15 to 31, 17 bases deleted (GCCCGCCCGCCTGGCGC).
Protein change: p.Pro6fs; shifts the reading frame from proline 6.
Molecular consequence: frameshift variant.
Genome position (GRCh38, 1-based): chr16:2,135,659-2,135,675, GCGCCAGGCGGGCGGGC deleted on the plus strand (GCCCGCCCGCCTGGCGC on the coding strand, the reverse complement: PKD1 is on the minus strand); deleting any 17 consecutive bases within chr16:2,135,659-2,135,678 gives the same sequence; the c. name uses the placement nearest the transcript's 3' end. VCF-style (leftmost placement, unchanged base first): chr16-2135658-AGCGCCAGGCGGGCGGGC-A. GRCh37 (hg19) VCF-style: chr16-2185659-AGCGCCAGGCGGGCGGGC-A.
Other names: c.15_31del, p.Pro6fs (NM_000296.4); short protein forms P6fs.
Identifiers: ClinVar variation 3899374 (VCV003899374.2).

ClinVar aggregate classification (germline): Pathogenic (1 of 4 stars; one submission).

Conditions:
Polycystic kidney disease, adult type (PKD1). Also called: POLYCYSTIC KIDNEY DISEASE 1 WITH OR WITHOUT POLYCYSTIC LIVER DISEASE; POLYCYSTIC KIDNEY DISEASE, ADULT, TYPE I; Polycystic Kidney Disease 1, Autosomal Dominant; Polycystic kidney disease 1; Polycystic kidney disease 1, severe; Polycystic Kidney, Autosomal Dominant. Identifiers: MedGen C3149841, MONDO:0008263, OMIM 173900.

Submission:

Juno Genomics, Hangzhou Juno Genomics, Inc
Classification: Pathogenic for Polycystic kidney disease, adult type. Review status: criteria provided, single submitter. Criteria: ACMG Guidelines, 2015. Collection method: clinical testing. Allele origin: germline. Affected: yes.
Comment: Absent from controls (or at extremely low frequency if recessive) in Genome Aggregation Database, Exome Sequencing Project, 1000 Genomes Project, or Exome Aggregation Consortium.;Null variant in a gene where loss of function (LOF) is a known mechanism of disease.;The prevalence of the variant in affected individuals is significantly increased compared to the prevalence in controls.;Assumed de novo, but without confirmation of paternity and maternity.